The following is an entry in ClinVar:

NM_012424.6(RPS6KC1):c.2524G>C (p.Glu842Gln)

Gene: RPS6KC1 (ribosomal protein S6 kinase C1; plus strand). Cytogenetic location: 1q32.3.
Variant type: single nucleotide variant.
Coding change: c.2524G>C on transcript NM_012424.6 (MANE Select); coding-DNA position 2524, G replaced by C.
Protein change: p.Glu842Gln; replaces glutamic acid 842 with glutamine.
Molecular consequence: missense variant. On other transcripts: non-coding transcript variant (4).
Genome position (GRCh38, 1-based): chr1:213,242,000, G>C. VCF-style: chr1-213242000-G-C. GRCh37 (hg19) VCF-style: chr1-213415343-G-C.
Other names: c.2488G>C, p.Glu830Gln (NM_001136138.4); c.1888G>C, p.Glu630Gln (NM_001287218.3, NM_001287219.3, NM_001349654.2); c.1129G>C, p.Glu377Gln (NM_001287220.3, NM_001349663.2, NM_001349664.2 and 8 more transcripts); c.1981G>C, p.Glu661Gln (NM_001287221.3, NM_001349648.2, NM_001349649.2 and 4 more transcripts); c.2431G>C, p.Glu811Gln (NM_001349646.2); c.2161G>C, p.Glu721Gln (NM_001349647.2); c.1633G>C, p.Glu545Gln (NM_001349657.2, NM_001349658.2); c.1468G>C, p.Glu490Gln (NM_001349659.2, NM_001349660.2, NM_001349661.2 and 1 more transcripts); short protein forms E377Q, E490Q, E545Q, E630Q, E661Q, E721Q, E811Q, E830Q.
Identifiers: ClinVar variation 3765624 (VCV003765624.1).
Genomic context (GRCh38, chr1:213,242,000, plus strand): 5'-TGTAGTCCACTCTCAGGTGCTAATGAATATATTGCAAGCACAGACACTTTAAAAACAGAA[G>C]AAGTATTGCTGTTTACAGATCAGACTGATGATTTGGCTAAAGAGGAACCAACTTCTTTAT-3'
Protein context (NP_036556.2, residues 832-852): IASTDTLKTE[Glu842Gln]VLLFTDQTDD

ClinVar aggregate classification (germline): Uncertain significance (1 of 4 stars; one submission).

gnomAD v4.1: 1 of 1,613,938 alleles (0.000062%); highest among the groups gnomAD compares: East Asian, 0.0022%; no homozygotes.

Submission:

Greenwood Genetic Center Diagnostic Laboratories, Greenwood Genetic Center
Classification: Uncertain significance. Last evaluated: 2024-08-30. Review status: criteria provided, single submitter. Criteria: ACMG Guidelines, 2015. Collection method: clinical testing. Allele origin: germline. Affected: yes.
Comment: Gene of Uncertain Significance